The following is an entry in ClinVar:

NM_033305.3(VPS13A):c.4070G>T (p.Ser1357Ile)

Gene: VPS13A (vacuolar protein sorting 13 homolog A; plus strand). Cytogenetic location: 9q21.2.
Variant type: single nucleotide variant.
Coding change: c.4070G>T on transcript NM_033305.3 (MANE Select); coding-DNA position 4070, G replaced by T.
Protein change: p.Ser1357Ile; replaces serine 1357 with isoleucine.
Molecular consequence: missense variant.
Genome position (GRCh38, 1-based): chr9:77,308,054, G>T. VCF-style: chr9-77308054-G-T. GRCh37 (hg19) VCF-style: chr9-79922970-G-T.
Other names: c.3953G>T, p.Ser1318Ile (NM_001018037.2); c.4070G>T, p.Ser1357Ile (NM_001018038.3, NM_015186.4); c.4070G>T (NM_033305.2); short protein forms S1318I, S1357I.
Identifiers: ClinVar variation 2155620 (VCV002155620.2), dbSNP rs140238345, ClinGen allele CA5092424.
Genomic context (GRCh38, chr9:77,308,054, plus strand): 5'-GCAATATATGGTATGAAAAAGATGGTAGTGCCTCACCTGCTGTAACAAAAGACCAATACA[G>T]TGCCACTAGTGGAGTTACTACTAATGCTTCACACCATTCAGGAGGTATGTTTTTAACTTC-3'
Protein context (NP_150648.2, residues 1347-1367): ASPAVTKDQY[Ser1357Ile]ATSGVTTNAS

ClinVar aggregate classification (germline): Conflicting classifications of pathogenicity. Review status: criteria provided, conflicting classifications (1 of 4 stars). 2 submissions from 2 submitters: Uncertain significance (1); Likely benign (1). Last evaluated 2022-04-12.

Conditions:
Inborn genetic diseases. Identifiers: MedGen C0950123, MeSH D030342.

Allele frequency attached by ClinVar (database versions not stated): ExAC 0.00002; ESP Exome Variant Server 0.00008; gnomAD 0.00010; TOPMed 0.00011.
gnomAD v4.1: 40 of 1,613,784 alleles (0.0025%); highest among the groups gnomAD compares: African/African-American, 0.04%; no homozygotes.

Submissions (2):

Ambry Genetics
Classification: Likely benign for Inborn genetic diseases. Last evaluated: 2022-04-12. Review status: criteria provided, single submitter. Criteria: Ambry General Variant Classification Scheme_2022. Collection method: clinical testing. Allele origin: germline.

Labcorp Genetics (formerly Invitae), Labcorp
Classification: Uncertain significance. Last evaluated: 2021-09-17. Review status: criteria provided, single submitter. Criteria: Invitae Variant Classification Sherloc (09022015). Collection method: clinical testing. Allele origin: germline.
Comment: This sequence change replaces serine with isoleucine at codon 1357 of the VPS13A protein (p.Ser1357Ile). The serine residue is weakly conserved and there is a large physicochemical difference between serine and isoleucine. This variant is present in population databases (rs140238345, ExAC 0.02%). This variant has not been reported in the literature in individuals with VPS13A-related conditions. Algorithms developed to predict the effect of missense changes on protein structure and function output the following: SIFT: "Tolerated"; PolyPhen-2: "Benign"; Align-GVGD: "Class C0". The isoleucine amino acid residue is found in multiple mammalian species, suggesting that this missense change does not adversely affect protein function. These predictions have not been confirmed by published functional studies and their clinical significance is uncertain. In summary, the available evidence is currently insufficient to determine the role of this variant in disease. Therefore, it has been classified as a Variant of Uncertain Significance.